The following is an entry in ClinVar:

NM_003764.4(STX11):c.628C>A (p.Arg210Ser)

Gene: STX11 (syntaxin 11; plus strand). Cytogenetic location: 6q24.2.
Variant type: single nucleotide variant.
Coding change: c.628C>A on transcript NM_003764.4 (MANE Select); coding-DNA position 628, C replaced by A.
Protein change: p.Arg210Ser; replaces arginine 210 with serine.
Molecular consequence: missense variant.
Genome position (GRCh38, 1-based): chr6:144,187,255, C>A. VCF-style: chr6-144187255-C-A. GRCh37 (hg19) VCF-style: chr6-144508392-C-A.
Other names: short protein forms R210S.
Identifiers: ClinVar variation 2002057 (VCV002002057.3), dbSNP rs745930320, ClinGen allele CA4031749.

ClinVar aggregate classification (germline): Uncertain significance (1 of 4 stars; one submission).

Conditions:
Familial hemophagocytic lymphohistiocytosis 4 (FHL4). Also called: STX11-Related Familial Hemophagocytic Lymphohistiocytosis (STX11-fHLH). Identifiers: Orphanet 540, MedGen C1863728, MONDO:0011336, OMIM 603552.

Allele frequency attached by ClinVar (database versions not stated): ExAC 0.00002.
gnomAD v4.1: 2 of 1,613,664 alleles (0.00012%); highest among the groups gnomAD compares: Non-Finnish European, 0.00017%; no homozygotes.

Submission:

Labcorp Genetics (formerly Invitae), Labcorp
Classification: Uncertain significance for Familial hemophagocytic lymphohistiocytosis 4. Last evaluated: 2022-06-03. Review status: criteria provided, single submitter. Criteria: Invitae Variant Classification Sherloc (09022015). Collection method: clinical testing. Allele origin: germline.
Comment: The frequency data for this variant in the population databases is considered unreliable, as metrics indicate poor data quality at this position in the gnomAD database. In summary, the available evidence is currently insufficient to determine the role of this variant in disease. Therefore, it has been classified as a Variant of Uncertain Significance. Algorithms developed to predict the effect of missense changes on protein structure and function (SIFT, PolyPhen-2, Align-GVGD) all suggest that this variant is likely to be disruptive. This variant has not been reported in the literature in individuals affected with STX11-related conditions. This sequence change replaces arginine, which is basic and polar, with serine, which is neutral and polar, at codon 210 of the STX11 protein (p.Arg210Ser).